The following is an entry in ClinVar:

NM_207122.2(EXT2):c.1142C>G (p.Pro381Arg)

Gene: EXT2 (exostosin glycosyltransferase 2; plus strand). Cytogenetic location: 11p11.2.
Variant type: single nucleotide variant.
Coding change: c.1142C>G on transcript NM_207122.2 (MANE Select); coding-DNA position 1142, C replaced by G.
Protein change: p.Pro381Arg; replaces proline 381 with arginine.
Molecular consequence: missense variant.
Genome position (GRCh38, 1-based): chr11:44,130,107, C>G. VCF-style: chr11-44130107-C-G. GRCh37 (hg19) VCF-style: chr11-44151657-C-G.
Other names: c.1241C>G, p.Pro414Arg (NM_000401.3); c.1142C>G, p.Pro381Arg (NM_001178083.3, NM_001389628.1, NM_001389630.1); short protein forms P381R, P414R.
Identifiers: ClinVar variation 3631636 (VCV003631636.2).

ClinVar aggregate classification (germline): Uncertain significance (1 of 4 stars; one submission).

Conditions:
Exostoses, multiple, type 2 (EXT2). Also called: Hereditary Multiple Osteochondromatosis, Type II; EXOSTOSES, MULTIPLE, TYPE II. Identifiers: Orphanet 321, MedGen C1851413, MONDO:0007586, OMIM 133701.

Submission:

Labcorp Genetics (formerly Invitae), Labcorp
Classification: Uncertain significance for Exostoses, multiple, type 2. Last evaluated: 2024-09-28. Review status: criteria provided, single submitter. Criteria: Invitae Variant Classification Sherloc (09022015). Collection method: clinical testing. Allele origin: germline.
Comment: This sequence change replaces proline, which is neutral and non-polar, with arginine, which is basic and polar, at codon 381 of the EXT2 protein (p.Pro381Arg). This variant is not present in population databases (gnomAD no frequency). This variant has not been reported in the literature in individuals affected with EXT2-related conditions. Invitae Evidence Modeling of protein sequence and biophysical properties (such as structural, functional, and spatial information, amino acid conservation, physicochemical variation, residue mobility, and thermodynamic stability) indicates that this missense variant is not expected to disrupt EXT2 protein function with a negative predictive value of 80%. In summary, the available evidence is currently insufficient to determine the role of this variant in disease. Therefore, it has been classified as a Variant of Uncertain Significance.